The following is an entry in ClinVar:

NM_001999.4(FBN2):c.6750T>C (p.Asn2250=)

Gene: FBN2 (fibrillin 2; minus strand). Cytogenetic location: 5q23.3.
Variant type: single nucleotide variant.
Coding change: c.6750T>C on transcript NM_001999.4 (MANE Select); coding-DNA position 6750, T replaced by C.
Protein change: p.Asn2250=; no amino-acid change (asparagine 2250 retained).
Molecular consequence: synonymous variant.
Genome position (GRCh38, 1-based): chr5:128,288,445, A>G on the plus strand (T>C on the coding strand, the complement: FBN2 is on the minus strand). VCF-style: chr5-128288445-A-G. GRCh37 (hg19) VCF-style: chr5-127624137-A-G.
Identifiers: ClinVar variation 4981949 (VCV004981949.1).

ClinVar aggregate classification (germline): Likely benign (1 of 4 stars; one submission).

Conditions:
FBN2-related disorder. Also called: FBN2-related condition.

Submission:

PreventionGenetics, part of Exact Sciences
Classification: Likely benign for FBN2-related condition. Last evaluated: 2024-12-03. Review status: criteria provided, single submitter. Criteria: ACMG Guidelines, 2015. Collection method: clinical testing. Allele origin: germline.
Comment: This variant is classified as likely benign based on ACMG/AMP sequence variant interpretation guidelines (Richards et al. 2015 PMID: 25741868, with internal and published modifications).